The following is an entry in ClinVar:

NM_004453.4(ETFDH):c.684+2T>G

Gene: ETFDH (electron transfer flavoprotein dehydrogenase; plus strand). Cytogenetic location: 4q32.1.
Variant type: single nucleotide variant.
Coding change: c.684+2T>G on transcript NM_004453.4 (MANE Select); the canonical splice donor site of the intron after coding-DNA position 684, T replaced by G.
Molecular consequence: splice donor variant.
Genome position (GRCh38, 1-based): chr4:158,690,427, T>G. VCF-style: chr4-158690427-T-G. GRCh37 (hg19) VCF-style: chr4-159611579-T-G.
Other names: c.543+2T>G (NM_001281737.2); c.501+2T>G (NM_001281738.1).
Identifiers: ClinVar variation 802101 (VCV000802101.4), dbSNP rs1580406119, ClinGen allele CA358560069.

ClinVar aggregate classification (germline): Pathogenic/Likely pathogenic. Review status: criteria provided, multiple submitters, no conflicts (2 of 4 stars). 2 submissions from 2 submitters: Pathogenic (1); Likely pathogenic (1). Last evaluated 2025-06-12.

Conditions:
Multiple acyl-CoA dehydrogenase deficiency (MADD). Also called: ETHYLMALONIC-ADIPICACIDURIA; GA II; Glutaric aciduria, type 2; Glutaric acidemia type II; GA 2; Glutaric Acidemia type 2. Identifiers: Orphanet 26791, MedGen C0268596, MONDO:0009282, OMIM 231680.

Submissions (2):

Labcorp Genetics (formerly Invitae), Labcorp
Classification: Likely pathogenic for Multiple acyl-CoA dehydrogenase deficiency. Last evaluated: 2025-06-12. Review status: criteria provided, single submitter. Criteria: Invitae Variant Classification Sherloc (09022015). Collection method: clinical testing. Allele origin: germline.
Comment: This sequence change affects a donor splice site in intron 6 of the ETFDH gene. It is expected to disrupt RNA splicing. Variants that disrupt the donor or acceptor splice site typically lead to a loss of protein function (PMID: 16199547), and loss-of-function variants in ETFDH are known to be pathogenic (PMID: 16510302, 23785301). This variant is not present in population databases (gnomAD no frequency). Disruption of this splice site has been observed in individual(s) with clinical features of multiple acyl-CoA dehydrogenase deficiency (PMID: 31306230, 34704421). ClinVar contains an entry for this variant (Variation ID: 802101). Algorithms developed to predict the effect of sequence changes on RNA splicing suggest that this variant may disrupt the consensus splice site. In summary, the currently available evidence indicates that the variant is pathogenic, but additional data are needed to prove that conclusively. Therefore, this variant has been classified as Likely Pathogenic.

Mendelics
Classification: Pathogenic for Multiple acyl-CoA dehydrogenase deficiency. Last evaluated: 2019-05-28. Review status: criteria provided, single submitter. Criteria: Mendelics Assertion Criteria 2017. Collection method: clinical testing. Allele origin: unknown.

Literature cited by the submitters: PubMed 16199547 (cited by Labcorp Genetics (formerly Invitae), Labcorp); PubMed 16510302 (cited by Labcorp Genetics (formerly Invitae), Labcorp); PubMed 23785301 (cited by Labcorp Genetics (formerly Invitae), Labcorp); PubMed 31306230 (cited by Labcorp Genetics (formerly Invitae), Labcorp); PubMed 34704421 (cited by Labcorp Genetics (formerly Invitae), Labcorp).